The following is an entry in ClinVar:

ClinVar aggregate classification (germline): Conflicting classifications of pathogenicity. Review status: criteria provided, conflicting classifications (1 of 4 stars). 2 submissions from 2 submitters: Uncertain significance (1); Benign (1). Last evaluated 2024-01-10.

Conditions:
Treacher Collins syndrome 1 (TCS1). Also called: TCOF1-Related Treacher Collins Syndrome. Identifiers: Orphanet 861, MedGen CN315775, MONDO:0007944, OMIM 154500.

Submissions (2):

GeneDx
Classification: Uncertain significance. Last evaluated: 2024-01-10. Review status: criteria provided, single submitter. Criteria: GeneDx Variant Classification Process June 2021. Collection method: clinical testing. Allele origin: germline. Affected: yes.
Comment: In-frame deletion of 1 amino acids in a non-repeat region; In silico analysis supports that this variant does not alter protein structure/function; Has not been previously published as pathogenic or benign to our knowledge

Labcorp Genetics (formerly Invitae), Labcorp
Classification: Benign for Treacher Collins syndrome 1. Last evaluated: 2023-08-04. Review status: criteria provided, single submitter. Criteria: Invitae Variant Classification Sherloc (09022015). Collection method: clinical testing. Allele origin: germline.

NM_001371623.1(TCOF1):c.839AGG[2] (p.Glu282del)

Gene: TCOF1 (treacle ribosome biogenesis factor 1; plus strand). Cytogenetic location: 5q32.
Variant type: Microsatellite.
Coding change: c.839AGG[2] on transcript NM_001371623.1 (MANE Select); two copies in a row of the 3-base unit AGG starting at c.839; the reference has three copies in a row; one copy, 3 bases deleted.
Protein change: p.Glu282del; deletes glutamic acid 282.
Molecular consequence: inframe deletion. On other transcripts: intron variant (2).
Genome position (GRCh38, 1-based): chr5:150,372,211-150,372,213, AGG deleted; deleting any 3 consecutive bases within chr5:150,372,204-150,372,213 gives the same sequence; the position shown is the placement nearest the transcript's 3' end. VCF-style (leftmost placement, unchanged base first): chr5-150372203-TGAG-T. GRCh37 (hg19) VCF-style: chr5-149751766-TGAG-T.
Other names: c.839AGG[2], p.Glu282del (NM_001008657.3, NM_001135243.2, NM_001135244.2 and 1 more transcripts); c.640-1970GAG[2] (NM_001135245.2, NM_000356.4); c.845_847del (NM_001135243.1); short protein forms E282del.
Identifiers: ClinVar variation 1566787 (VCV001566787.9), dbSNP rs1160403859, ClinGen allele CA563956878.
Genomic context (GRCh38, chr5:150,372,203, plus strand): 5'-AGCCAAGAGGGCCAAGAAGCCAGAAGAGGAGTCAGAGAGTAGTGAGGAGGGATCTGAAAG[TGAG>T]GAGGAGGCCCCTGCAGGGACACGAAGCCAGGTGAGGCCTGGAGGAGGGCTGCCCCTTGGA-3'